The following is an entry in ClinVar:

ClinVar aggregate classification (germline): Conflicting classifications of pathogenicity. Review status: criteria provided, conflicting classifications (1 of 4 stars). 5 submissions from 5 submitters: Uncertain significance (1); Benign (1); Likely benign (2). 1 of the submissions does not count toward it. Last evaluated 2026-01-25.

Conditions:
Inborn genetic diseases. Identifiers: MedGen C0950123, MeSH D030342.
PLOD2-related disorder. Also called: PLOD2-related condition.

Allele frequency attached by ClinVar (database versions not stated): gnomAD exomes 0.00009 and 0.00023; ExAC 0.00062; ESP Exome Variant Server 0.00062; TOPMed 0.00111; gnomAD 0.00094 and 0.00104; 1000 Genomes Project 0.00100; 1000 Genomes Project 30x 0.00109.
gnomAD v4.1: 272 of 1,491,366 alleles (0.018%); highest among the groups gnomAD compares: African/African-American, 0.34%; 1 homozygote.

Submissions (5):

Labcorp Genetics (formerly Invitae), Labcorp
Classification: Benign. Last evaluated: 2026-01-25. Review status: criteria provided, single submitter. Criteria: Invitae Variant Classification Sherloc (09022015). Collection method: clinical testing. Allele origin: germline.

Women's Health and Genetics/Laboratory Corporation of America, LabCorp
Classification: Likely benign. Last evaluated: 2024-08-06. Review status: criteria provided, single submitter. Criteria: LabCorp Variant Classification Summary - May 2015. Collection method: clinical testing. Allele origin: germline.
Comment: Variant summary: PLOD2 c.1108G>A (p.Glu370Lys) results in a conservative amino acid change in the encoded protein sequence. Four of five in-silico tools predict a benign effect of the variant on protein function. The variant allele was found at a frequency of 0.00018 in 1491366 control chromosomes, predominantly at a frequency of 0.0034 within the African or African-American subpopulation in the gnomAD database, including 1 homozygote. The observed variant frequency within African or African-American control individuals in the gnomAD database is approximately 3-fold of the estimated maximal expected allele frequency for a pathogenic variant in PLOD2 causing Osteogenesis Imperfecta phenotype (0.0011). To our knowledge, no occurrence of c.1108G>A in individuals affected with Osteogenesis Imperfecta and no experimental evidence demonstrating its impact on protein function have been reported. ClinVar contains an entry for this variant (Variation ID: 512915). Based on the evidence outlined above, the variant was classified as likely benign.

Ambry Genetics
Classification: Uncertain significance for Inborn genetic diseases. Last evaluated: 2023-06-16. Review status: criteria provided, single submitter. Criteria: Ambry Variant Classification Scheme 2023. Collection method: clinical testing. Allele origin: germline.

GeneDx
Classification: Likely benign. Last evaluated: 2020-11-09. Review status: criteria provided, single submitter. Criteria: GeneDx Variant Classification Process June 2021. Collection method: clinical testing. Allele origin: germline. Affected: yes.

PreventionGenetics, part of Exact Sciences
Classification: Likely benign for PLOD2-related condition. Last evaluated: 2022-04-14. Review status: no assertion criteria provided. Collection method: clinical testing. Allele origin: germline. Not counted in ClinVar's aggregate classification.
Comment: This variant is classified as likely benign based on ACMG/AMP sequence variant interpretation guidelines (Richards et al. 2015 PMID: 25741868, with internal and published modifications).

NM_182943.3(PLOD2):c.1108G>A (p.Glu370Lys)

Gene: PLOD2 (procollagen-lysine,2-oxoglutarate 5-dioxygenase 2; minus strand). Cytogenetic location: 3q24.
Variant type: single nucleotide variant.
Coding change: c.1108G>A on transcript NM_182943.3 (MANE Select); coding-DNA position 1108, G replaced by A.
Protein change: p.Glu370Lys; replaces glutamic acid 370 with lysine.
Molecular consequence: missense variant.
Genome position (GRCh38, 1-based): chr3:146,086,806, C>T on the plus strand (G>A on the coding strand, the complement: PLOD2 is on the minus strand). VCF-style: chr3-146086806-C-T. GRCh37 (hg19) VCF-style: chr3-145804593-C-T.
Other names: c.1108G>A (NM_000935.2); c.1108G>A, p.Glu370Lys (NM_000935.3); short protein forms E370K.
Identifiers: ClinVar variation 512915 (VCV000512915.15), dbSNP rs147402171, ClinGen allele CA2655026.